The following is an entry in ClinVar:

NM_022095.4(ZNF335):c.3842C>T (p.Pro1281Leu)

Gene: ZNF335 (zinc finger protein 335; minus strand). Cytogenetic location: 20q13.12.
Variant type: single nucleotide variant.
Coding change: c.3842C>T on transcript NM_022095.4 (MANE Select); coding-DNA position 3842, C replaced by T.
Protein change: p.Pro1281Leu; replaces proline 1281 with leucine.
Molecular consequence: missense variant.
Genome position (GRCh38, 1-based): chr20:45,949,229, G>A on the plus strand (C>T on the coding strand, the complement: ZNF335 is on the minus strand). VCF-style: chr20-45949229-G-A. GRCh37 (hg19) VCF-style: chr20-44577868-G-A.
Other names: short protein forms P1281L.
Identifiers: ClinVar variation 785918 (VCV000785918.12), dbSNP rs140528177, ClinGen allele CA9884809.

ClinVar aggregate classification (germline): Conflicting classifications of pathogenicity. Review status: criteria provided, conflicting classifications (1 of 4 stars). 3 submissions from 3 submitters: Uncertain significance (1); Likely benign (1). 1 of the submissions does not count toward it. Last evaluated 2026-01-19.

Conditions:
ZNF335-related disorder. Also called: ZNF335-related condition.
Inborn genetic diseases. Identifiers: MedGen C0950123, MeSH D030342.

Allele frequency attached by ClinVar (database versions not stated): ESP Exome Variant Server 0.00008; gnomAD 0.00016; TOPMed 0.00037.
gnomAD v4.1: 254 of 1,613,848 alleles (0.016%); highest among the groups gnomAD compares: Admixed American, 0.39%; 2 homozygotes.

Submissions (3):

Labcorp Genetics (formerly Invitae), Labcorp
Classification: Likely benign. Last evaluated: 2026-01-19. Review status: criteria provided, single submitter. Criteria: Invitae Variant Classification Sherloc (09022015). Collection method: clinical testing. Allele origin: germline.

Ambry Genetics
Classification: Uncertain significance for Inborn genetic diseases. Last evaluated: 2021-09-16. Review status: criteria provided, single submitter. Criteria: Ambry Variant Classification Scheme 2023. Collection method: clinical testing. Allele origin: germline.

PreventionGenetics, part of Exact Sciences
Classification: Likely benign for ZNF335-related condition. Last evaluated: 2020-10-19. Review status: no assertion criteria provided. Collection method: clinical testing. Allele origin: germline. Not counted in ClinVar's aggregate classification.
Comment: This variant is classified as likely benign based on ACMG/AMP sequence variant interpretation guidelines (Richards et al. 2015 PMID: 25741868, with internal and published modifications).